The following is an entry in ClinVar:

NM_001032283.3(TMPO):c.235T>G (p.Ser79Ala)

Genes: TMPO (thymopoietin; plus strand), TMPO-AS1 (TMPO antisense RNA 1; minus strand), LOC130008520 (ATAC-STARR-seq lymphoblastoid silent region 4752; plus strand). Cytogenetic location: 12q23.1.
Variant type: single nucleotide variant.
Coding change: c.235T>G on transcript NM_001032283.3 (MANE Select); coding-DNA position 235, T replaced by G.
Protein change: p.Ser79Ala; replaces serine 79 with alanine.
Molecular consequence: missense variant. On other transcripts: non-coding transcript variant (1).
Genome position (GRCh38, 1-based): chr12:98,516,102, T>G. VCF-style: chr12-98516102-T-G. GRCh37 (hg19) VCF-style: chr12-98909880-T-G.
Other names: c.235T>G, p.Ser79Ala (NM_001032284.3, NM_001307975.2, NM_003276.2); short protein forms S79A.
Identifiers: ClinVar variation 4865765 (VCV004865765.1).

ClinVar aggregate classification (germline): Uncertain significance (1 of 4 stars; one submission).

Submission:

Ambry Genetics
Classification: Uncertain significance. Last evaluated: 2026-05-14. Review status: criteria provided, single submitter. Criteria: Ambry Variant Classification Scheme 2023. Collection method: clinical testing. Allele origin: germline.
Comment: The p.S79A variant (also known as c.235T>G), located in coding exon 1 of the TMPO gene, results from a T to G substitution at nucleotide position 235. The serine at codon 79 is replaced by alanine, an amino acid with similar properties. This amino acid position is conserved. In addition, this alteration is predicted to be tolerated by in silico analysis. Based on the available evidence, the clinical significance of this variant remains unclear.